The following is an entry in ClinVar:

NM_001276345.2(TNNT2):c.333G>C (p.Glu111Asp)

Gene: TNNT2 (troponin T2, cardiac type; minus strand). Cytogenetic location: 1q32.1.
Variant type: single nucleotide variant.
Coding change: c.333G>C on transcript NM_001276345.2 (MANE Select); coding-DNA position 333, G replaced by C.
Protein change: p.Glu111Asp; replaces glutamic acid 111 with aspartic acid.
Molecular consequence: missense variant. On other transcripts: intron variant (1).
Genome position (GRCh38, 1-based): chr1:201,365,269, C>G on the plus strand (G>C on the coding strand, the complement: TNNT2 is on the minus strand). VCF-style: chr1-201365269-C-G. GRCh37 (hg19) VCF-style: chr1-201334397-C-G.
Other names: c.333G>C, p.Glu111Asp (NM_000364.4); c.303G>C, p.Glu101Asp (NM_001001430.3, NM_001001431.3, NM_001276347.2); c.288G>C, p.Glu96Asp (NM_001001432.3); c.291+341G>C (NM_001276346.2); short protein forms E101D, E111D, E96D.
Identifiers: ClinVar variation 994206 (VCV000994206.55), dbSNP rs1659441464, ClinGen allele CA344206462.

ClinVar aggregate classification (germline): Uncertain significance. Review status: criteria provided, multiple submitters, no conflicts (2 of 4 stars). 6 submissions from 4 submitters: Uncertain significance (6). Last evaluated 2024-03-27.

Conditions:
Dilated cardiomyopathy 1D. Identifiers: Orphanet 154, Orphanet 54260, MedGen C1832243, MONDO:0011095, OMIM 601494.
Cardiomyopathy, familial restrictive, 3. Identifiers: Orphanet 75249, MedGen C2676271, MONDO:0012900, OMIM 612422.
Hypertrophic cardiomyopathy 2. Also called: TNNT2-Related Familial Hypertrophic Cardiomyopathy. Identifiers: MedGen C1861864, MONDO:0007266, OMIM 115195.

Submissions (6):

GeneDx
Classification: Uncertain significance. Last evaluated: 2024-03-27. Review status: criteria provided, single submitter. Criteria: GeneDx Variant Classification Process June 2021. Collection method: clinical testing. Allele origin: germline. Affected: yes.
Comment: Has not been previously published as pathogenic or benign to our knowledge; Not observed at significant frequency in large population cohorts (gnomAD); In silico analysis supports that this missense variant has a deleterious effect on protein structure/function

Genome-Nilou Lab
Classification: Uncertain significance for Dilated cardiomyopathy 1D. Last evaluated: 2023-04-11. Review status: criteria provided, single submitter. Criteria: ACMG Guidelines, 2015. Collection method: clinical testing. Allele origin: germline. Affected: no.

Genome-Nilou Lab
Classification: Uncertain significance for Cardiomyopathy, familial restrictive, 3. Last evaluated: 2023-04-11. Review status: criteria provided, single submitter. Criteria: ACMG Guidelines, 2015. Collection method: clinical testing. Allele origin: germline. Affected: no.

Genome-Nilou Lab
Classification: Uncertain significance for Hypertrophic cardiomyopathy 2. Last evaluated: 2023-04-11. Review status: criteria provided, single submitter. Criteria: ACMG Guidelines, 2015. Collection method: clinical testing. Allele origin: germline. Affected: no.

Labcorp Genetics (formerly Invitae), Labcorp
Classification: Uncertain significance for Cardiomyopathy, familial restrictive, 3; Hypertrophic cardiomyopathy 2; Dilated cardiomyopathy 1D. Last evaluated: 2023-02-21. Review status: criteria provided, single submitter. Criteria: Invitae Variant Classification Sherloc (09022015). Collection method: clinical testing. Allele origin: germline.
Comment: ClinVar contains an entry for this variant (Variation ID: 994206). In summary, the available evidence is currently insufficient to determine the role of this variant in disease. Therefore, it has been classified as a Variant of Uncertain Significance. Advanced modeling of protein sequence and biophysical properties (such as structural, functional, and spatial information, amino acid conservation, physicochemical variation, residue mobility, and thermodynamic stability) performed at Invitae indicates that this missense variant is expected to disrupt TNNT2 protein function. This variant has not been reported in the literature in individuals affected with TNNT2-related conditions. This variant is not present in population databases (gnomAD no frequency). This sequence change replaces glutamic acid, which is acidic and polar, with aspartic acid, which is acidic and polar, at codon 101 of the TNNT2 protein (p.Glu101Asp).

ARUP Laboratories, Molecular Genetics and Genomics, ARUP Laboratories
Classification: Uncertain significance. Last evaluated: 2019-12-15. Review status: criteria provided, single submitter. Criteria: ARUP Molecular Germline Variant Investigation Process. Collection method: clinical testing. Allele origin: germline.
Comment: The TNNT2 c.303G>C; p.Glu101Asp variant, to our knowledge, is not reported in the medical literature or gene specific databases. This variant is also absent from general population databases (Exome Variant Server, Genome Aggregation Database), indicating it is not a common polymorphism. The glutamic acid at codon 101 is highly conserved, and computational analyses (SIFT, PolyPhen-2) predict that this variant is deleterious. Due to limited information, the clinical significance of the p.Glu101Asp variant is uncertain at this time.